The following is an entry in ClinVar:

ClinVar aggregate classification (germline): Uncertain significance (1 of 4 stars; one submission).

Conditions:
Hereditary cancer-predisposing syndrome. Also called: Tumor predisposition; Hereditary Cancer Syndrome; Hereditary neoplastic syndrome; Neoplastic Syndromes, Hereditary. Identifiers: Orphanet 140162, MedGen C0027672, MeSH D009386, MONDO:0015356.

Submission:

Ambry Genetics
Classification: Uncertain significance for Hereditary cancer-predisposing syndrome. Last evaluated: 2025-10-14. Review status: criteria provided, single submitter. Criteria: Ambry Variant Classification Scheme 2023. Collection method: clinical testing. Allele origin: germline.
Comment: The p.S157R variant (also known as c.469A>C), located in coding exon 4 of the SUFU gene, results from an A to C substitution at nucleotide position 469. The serine at codon 157 is replaced by arginine, an amino acid with dissimilar properties. This amino acid position is conserved. In addition, this alteration is predicted to be deleterious by in silico analysis. Based on the available evidence, the clinical significance of this variant remains unclear.

NM_016169.4(SUFU):c.469A>C (p.Ser157Arg)

Gene: SUFU (SUFU negative regulator of hedgehog signaling; plus strand). Cytogenetic location: 10q24.32.
Variant type: single nucleotide variant.
Coding change: c.469A>C on transcript NM_016169.4 (MANE Select); coding-DNA position 469, A replaced by C.
Protein change: p.Ser157Arg; replaces serine 157 with arginine.
Molecular consequence: missense variant.
Genome position (GRCh38, 1-based): chr10:102,592,596, A>C. VCF-style: chr10-102592596-A-C. GRCh37 (hg19) VCF-style: chr10-104352353-A-C.
Other names: c.469A>C, p.Ser157Arg (NM_001178133.2); short protein forms S157R.
Identifiers: ClinVar variation 4551689 (VCV004551689.1).
Genomic context (GRCh38, chr10:102,592,596, plus strand): 5'-GGATCTGGGGCCTTGAACAATGAGGATCCTTGTATCTCTCCCACAGAGAACACCTTCTGC[A>C]GTGGGGACCATGTGTCCTGGCACAGCCCTTTGGATAACAGTGAGTCAAGAATTCAGCACA-3'
Protein context (NP_057253.2, residues 147-167): YVFQSENTFC[Ser157Arg]GDHVSWHSPL